The following is an entry in ClinVar:

ClinVar aggregate classification (germline): Uncertain significance (1 of 4 stars; one submission).

Conditions:
Hereditary cancer-predisposing syndrome. Also called: Neoplastic Syndromes, Hereditary; Tumor predisposition; Hereditary Cancer Syndrome; Hereditary neoplastic syndrome. Identifiers: Orphanet 140162, MedGen C0027672, MeSH D009386, MONDO:0015356.

Submission:

Color Diagnostics, LLC DBA Color Health
Classification: Uncertain significance for Hereditary cancer-predisposing syndrome. Last evaluated: 2023-12-11. Review status: criteria provided, single submitter. Criteria: ACMG Guidelines, 2015. Collection method: clinical testing. Allele origin: germline.
Comment: This missense variant replaces aspartic acid with asparagine at codon 3272 of the BRCA2 protein. Computational prediction suggests that this variant may not impact protein structure and function (internally defined REVEL score threshold <= 0.5, PMID: 27666373). To our knowledge, functional studies have not been reported for this variant. This variant has not been reported in individuals affected with BRCA2-related disorders in the literature. This variant has not been identified in the general population by the Genome Aggregation Database (gnomAD). The available evidence is insufficient to determine the role of this variant in disease conclusively. Therefore, this variant is classified as a Variant of Uncertain Significance.

NM_000059.4(BRCA2):c.9814G>A (p.Asp3272Asn)

Gene: BRCA2 (BRCA2 DNA repair associated; plus strand). Cytogenetic location: 13q13.1.
Variant type: single nucleotide variant.
Coding change: c.9814G>A on transcript NM_000059.4 (MANE Select); coding-DNA position 9814, G replaced by A.
Protein change: p.Asp3272Asn; replaces aspartic acid 3272 with asparagine.
Molecular consequence: missense variant. On other transcripts: non-coding transcript variant (1).
Genome position (GRCh38, 1-based): chr13:32,398,327, G>A. VCF-style: chr13-32398327-G-A. GRCh37 (hg19) VCF-style: chr13-32972464-G-A.
Other names: c.9718G>A, p.Asp3240Asn (NM_001406719.1); c.9763G>A, p.Asp3255Asn (NM_001406720.1); c.4882G>A, p.Asp1628Asn (NM_001406721.1); c.3397G>A, p.Asp1133Asn (NM_001406722.1); short protein forms D1133N, D1628N, D3240N, D3255N, D3272N.
Identifiers: ClinVar variation 2774972 (VCV002774972.2), dbSNP rs879255474, ClinGen allele CA387766199.